The following is an entry in ClinVar:

ClinVar aggregate classification (germline): Likely benign (1 of 4 stars; one submission).

Allele frequency attached by ClinVar (database versions not stated): gnomAD exomes 0.00022; ExAC 0.00056; 1000 Genomes Project 30x 0.00094; 1000 Genomes Project 0.00120; ESP Exome Variant Server 0.00154; gnomAD 0.00158; TOPMed 0.00182.
gnomAD v4.1: 581 of 1,614,178 alleles (0.036%); highest among the groups gnomAD compares: African/African-American, 0.58%; 3 homozygotes.

Submission:

CeGaT Center for Human Genetics Tuebingen
Classification: Likely benign. Last evaluated: 2022-12-01. Review status: criteria provided, single submitter. Criteria: CeGaT Center For Human Genetics Tuebingen Variant Classification Criteria Version 2. Collection method: clinical testing. Allele origin: germline. Affected: yes. Observed: 1 variant allele.
Comment: NAIF1: BP4, BP7

NM_197956.4(NAIF1):c.654C>T (p.Leu218=)

Gene: NAIF1 (nuclear apoptosis inducing factor 1; minus strand). Cytogenetic location: 9q34.11.
Variant type: single nucleotide variant.
Coding change: c.654C>T on transcript NM_197956.4 (MANE Select); coding-DNA position 654, C replaced by T.
Protein change: p.Leu218=; no amino-acid change (leucine 218 retained).
Molecular consequence: synonymous variant.
Genome position (GRCh38, 1-based): chr9:128,063,758, G>A on the plus strand (C>T on the coding strand, the complement: NAIF1 is on the minus strand). VCF-style: chr9-128063758-G-A. GRCh37 (hg19) VCF-style: chr9-130826037-G-A.
Identifiers: ClinVar variation 2659517 (VCV002659517.24), dbSNP rs138738178, ClinGen allele CA5255336.